The following is an entry in ClinVar:

ClinVar aggregate classification (germline): Uncertain significance. Review status: criteria provided, multiple submitters, no conflicts (2 of 4 stars). 2 submissions from 2 submitters: Uncertain significance (2). Last evaluated 2023-08-09.

Conditions:
Rienhoff syndrome. Also called: LOEYS-DIETZ SYNDROME 5. Identifiers: MedGen C3810012, MONDO:0014262, OMIM 615582.

Allele frequency attached by ClinVar (database versions not stated): gnomAD exomes below 0.00001.

Submissions (2):

Blueprint Genetics
Classification: Uncertain significance. Last evaluated: 2023-08-09. Review status: criteria provided, single submitter. Criteria: ACMG Guidelines, 2015. Collection method: clinical testing. Allele origin: germline.

Labcorp Genetics (formerly Invitae), Labcorp
Classification: Uncertain significance for Rienhoff syndrome. Last evaluated: 2020-10-26. Review status: criteria provided, single submitter. Criteria: Invitae Variant Classification Sherloc (09022015). Collection method: clinical testing. Allele origin: germline.
Comment: This variant has been observed in individual(s) with clinical features of TGFB3-related conditions (Invitae). ClinVar contains an entry for this variant (Variation ID: 855565). This variant is not present in population databases (ExAC no frequency). This sequence change replaces arginine with cysteine at codon 209 of the TGFB3 protein (p.Arg209Cys). The arginine residue is highly conserved and there is a large physicochemical difference between arginine and cysteine. Algorithms developed to predict the effect of missense changes on protein structure and function are either unavailable or do not agree on the potential impact of this missense change (SIFT: "Deleterious"; PolyPhen-2: "Probably Damaging"; Align-GVGD: "Class C0"). In summary, the available evidence is currently insufficient to determine the role of this variant in disease. Therefore, it has been classified as a Variant of Uncertain Significance.

NM_003239.5(TGFB3):c.625C>T (p.Arg209Cys)

Gene: TGFB3 (transforming growth factor beta 3; minus strand). Cytogenetic location: 14q24.3.
Variant type: single nucleotide variant.
Coding change: c.625C>T on transcript NM_003239.5 (MANE Select); coding-DNA position 625, C replaced by T.
Protein change: p.Arg209Cys; replaces arginine 209 with cysteine.
Molecular consequence: missense variant.
Genome position (GRCh38, 1-based): chr14:75,971,147, G>A on the plus strand (C>T on the coding strand, the complement: TGFB3 is on the minus strand). VCF-style: chr14-75971147-G-A. GRCh37 (hg19) VCF-style: chr14-76437490-G-A.
Other names: c.625C>T, p.Arg209Cys (NM_001329938.2, NM_001329939.2); short protein forms R209C.
Identifiers: ClinVar variation 855565 (VCV000855565.11), dbSNP rs1331488615, ClinGen allele CA390469426.